The following is an entry in ClinVar:

ClinVar aggregate classification (germline): Uncertain significance. Review status: criteria provided, multiple submitters, no conflicts (2 of 4 stars). 2 submissions from 2 submitters: Uncertain significance (2). Last evaluated 2023-11-08.

Conditions:
Hereditary cancer-predisposing syndrome. Also called: Neoplastic Syndromes, Hereditary; Hereditary Cancer Syndrome; Hereditary neoplastic syndrome; Tumor predisposition. Identifiers: Orphanet 140162, MedGen C0027672, MeSH D009386, MONDO:0015356.
Microcephaly, normal intelligence and immunodeficiency (NBS). Also called: IMMUNODEFICIENCY, MICROCEPHALY, AND CHROMOSOMAL INSTABILITY; Immunodeficiency, microcephaly with normal intelligence; SEEMANOVA SYNDROME II; Ataxia telangiectasia variant V1; Microcephaly with normal intelligence immunodeficiency and lymphoreticular malignancies; Nonsyndromal microcephaly autosomal recessive with normal intelligence. Identifiers: Orphanet 647, MedGen C0398791, MONDO:0009623, OMIM 251260.

Allele frequency attached by ClinVar (database versions not stated): gnomAD 0.00001; TOPMed 0.00001.
gnomAD v4.1: 2 of 1,613,552 alleles (0.00012%); highest among the groups gnomAD compares: African/African-American, 0.0027%; no homozygotes.

Submissions (2):

Ambry Genetics
Classification: Uncertain significance for Hereditary cancer-predisposing syndrome. Last evaluated: 2023-11-08. Review status: criteria provided, single submitter. Criteria: Ambry Variant Classification Scheme 2023. Collection method: clinical testing. Allele origin: germline.
Comment: The p.C31S variant (also known as c.92G>C), located in coding exon 2 of the NBN gene, results from a G to C substitution at nucleotide position 92. The cysteine at codon 31 is replaced by serine, an amino acid with dissimilar properties. This amino acid position is highly conserved in available vertebrate species. In addition, this alteration is predicted to be tolerated by in silico analysis. Since supporting evidence is limited at this time, the clinical significance of this alteration remains unclear.

Labcorp Genetics (formerly Invitae), Labcorp
Classification: Uncertain significance for Microcephaly, normal intelligence and immunodeficiency. Last evaluated: 2018-09-06. Review status: criteria provided, single submitter. Criteria: Invitae Variant Classification Sherloc (09022015). Collection method: clinical testing. Allele origin: germline.
Comment: This sequence change replaces cysteine with serine at codon 31 of the NBN protein (p.Cys31Ser). The cysteine residue is moderately conserved and there is a moderate physicochemical difference between cysteine and serine. This variant is not present in population databases (ExAC no frequency). This variant has not been reported in the literature in individuals with NBN-related disease. Algorithms developed to predict the effect of missense changes on protein structure and function output the following: SIFT: "Tolerated"; PolyPhen-2: "Possibly Damaging"; Align-GVGD: "Class C0". The serine amino acid residue is found in multiple mammalian species, suggesting that this missense change does not adversely affect protein function. These predictions have not been confirmed by published functional studies and their clinical significance is uncertain. In summary, the available evidence is currently insufficient to determine the role of this variant in disease. Therefore, it has been classified as a Variant of Uncertain Significance.

NM_002485.5(NBN):c.92G>C (p.Cys31Ser)

Gene: NBN (nibrin; minus strand). Cytogenetic location: 8q21.3.
Variant type: single nucleotide variant.
Coding change: c.92G>C on transcript NM_002485.5 (MANE Select); coding-DNA position 92, G replaced by C.
Protein change: p.Cys31Ser; replaces cysteine 31 with serine.
Molecular consequence: missense variant. On other transcripts: 5 prime UTR variant (1).
Genome position (GRCh38, 1-based): chr8:89,982,801, C>G on the plus strand (G>C on the coding strand, the complement: NBN is on the minus strand). VCF-style: chr8-89982801-C-G. GRCh37 (hg19) VCF-style: chr8-90995029-C-G.
Other names: c.-205G>C (NM_001024688.3); short protein forms C31S.
Identifiers: ClinVar variation 644762 (VCV000644762.9), dbSNP rs1377520302, ClinGen allele CA371663332.